The following is an entry in ClinVar:

ClinVar aggregate classification (germline): Uncertain significance (1 of 4 stars; one submission).

Conditions:
Microcephaly, normal intelligence and immunodeficiency (NBS). Also called: Nijmegen breakage syndrome; Microcephaly with normal intelligence immunodeficiency and lymphoreticular malignancies; Nonsyndromal microcephaly autosomal recessive with normal intelligence; Seemanova syndrome 2; Ataxia telangiectasia variant V1; BERLIN BREAKAGE SYNDROME. Identifiers: Orphanet 647, MedGen C0398791, MONDO:0009623, OMIM 251260.

Submission:

Labcorp Genetics (formerly Invitae), Labcorp
Classification: Uncertain significance for Microcephaly, normal intelligence and immunodeficiency. Last evaluated: 2023-04-27. Review status: criteria provided, single submitter. Criteria: Invitae Variant Classification Sherloc (09022015). Collection method: clinical testing. Allele origin: germline.
Comment: This sequence change replaces aspartic acid, which is acidic and polar, with histidine, which is basic and polar, at codon 707 of the NBN protein (p.Asp707His). This variant is not present in population databases (gnomAD no frequency). In summary, the available evidence is currently insufficient to determine the role of this variant in disease. Therefore, it has been classified as a Variant of Uncertain Significance. An algorithm developed to predict the effect of missense changes on protein structure and function (PolyPhen-2) suggests that this variant is likely to be disruptive. This variant has not been reported in the literature in individuals affected with NBN-related conditions.

NM_002485.5(NBN):c.2119G>C (p.Asp707His)

Gene: NBN (nibrin; minus strand). Cytogenetic location: 8q21.3.
Variant type: single nucleotide variant.
Coding change: c.2119G>C on transcript NM_002485.5 (MANE Select); coding-DNA position 2119, G replaced by C.
Protein change: p.Asp707His; replaces aspartic acid 707 with histidine.
Molecular consequence: missense variant.
Genome position (GRCh38, 1-based): chr8:89,943,318, C>G on the plus strand (G>C on the coding strand, the complement: NBN is on the minus strand). VCF-style: chr8-89943318-C-G. GRCh37 (hg19) VCF-style: chr8-90955546-C-G.
Other names: c.1873G>C, p.Asp625His (NM_001024688.3); short protein forms D625H, D707H.
Identifiers: ClinVar variation 2859733 (VCV002859733.3), dbSNP rs2488191457, ClinGen allele CA371675615.